The following continues an entry in ClinVar:

NM_007194.4(CHEK2):c.499G>A (p.Gly167Arg)

Gene: CHEK2. ClinVar aggregate classification (germline): Pathogenic/Likely pathogenic. Pathogenic (4); Likely pathogenic (23).

Submissions 6 to 14 of 30:

Ambry Genetics
Classification: Likely pathogenic for Hereditary cancer-predisposing syndrome. Last evaluated: 2025-09-03. Review status: criteria provided, single submitter. Criteria: Ambry Variant Classification Scheme 2023. Collection method: clinical testing. Allele origin: germline.
Comment: The p.G167R variant (also known as c.499G>A), located in coding exon 3 of the CHEK2 gene, results from a G to A substitution at nucleotide position 499. The glycine at codon 167 is replaced by arginine, an amino acid with dissimilar properties. This variant has been detected in multiple cancer cohorts including male and female breast cancer, ovarian cancer, prostate cancer, and renal cell carcinoma (Li J et al. Mol. Cell. 2002 May;9:1045-54; (Dong X et al. Am. J. Hum. Genet. 2003 Feb;72:270-80; Dufault MR et al. Int. J. Cancer. 2004 Jun;110:320&ndash;5; Maxwell KN et al. Am. J. Hum. Genet. 2016 May;98:801-17; Tung N et al. J. Clin. Oncol. 2016 May;34:1460-8; Kraus C et al. Int J Cancer. 2017 Jan 1;140(1):95-102; Lolas Hamameh S et al. Int J Cancer. 2017 Aug 15;141(4):750-756; Carter NJ et al. Gynecol. Oncol., 2018 12;151:481-488; Fostira F et al. Breast Cancer Res. Treat. 2018 May;169(1):105-113; Wu Y et al. Prostate, 2018 06;78:607-615; Bernstein-Molho R et al. Breast Cancer Res. Treat., 2019 Jul;176:165-170; Fostira F et al. J. Med. Genet. 2019 Jul; Tsaousis GN et al. BMC Cancer. 2019 Jun;19:535; Moradian MM et al. Hum Genome Var, 2021 Feb;8:9; Apostolou P et al. Cancers (Basel), 2021 Apr;13; Dorling et al. N Engl J Med. 2021 02;384:428-439). This variant was also detected in the homozygous state in two unrelated patients whose blood karyotypes exhibited multiple chromosomal translocations. Med. Genet. 2019). The p.G167R alteration was unable to grow after DNA damage in a yeast-based cell proliferation assay (Roeb W et al. Hum. Mol. Genet. 2012 Jun;21:2738-44). This variant behaved as non-functional in an in vivo, yeast-based growth rate assay (Delimitsou A et al. Hum Mutat, 2019 May;40:631-648), and was also reported as damaging in an mES cell-based assay of CHEK2 activity (Boonen RACM et al. Cancer Res, 2022 02;82:615-631). This variant was also reported as functionally impaired in a study assessing CHEK2-complementation through quantification of KAP1 phosphorylation and CHK2 autophosphorylation in human RPE1-CHEK2-knockout cells (Stolarova L et al. Clin Cancer Res, 2023 Aug;29:3037-3050). This variant is located in the forkhead homology-associated domain, and based on internal structural analysis, it is anticipated to result in a significant decrease in structural stability (Ambry internal data). This amino acid position is highly conserved in available vertebrate species. In addition, this alteration is predicted to be deleterious by in silico analysis. Based on the majority of available evidence to date, this variant is likely to be pathogenic.

Institute of Human Genetics, FAU Erlangen, Friedrich-Alexander-Universität Erlangen-Nürnberg
Classification: Likely pathogenic. Last evaluated: 2025-06-02. Review status: criteria provided, single submitter. Criteria: Hauer et al. (Genet Med. 2018). Collection method: clinical testing. Allele origin: germline. Inheritance: Unknown mechanism. Affected: yes. Observed: 1 variant allele.
Comment: This variant has been identified by standard clinical testing.

Color Diagnostics, LLC DBA Color Health
Classification: Pathogenic for Hereditary cancer-predisposing syndrome. Last evaluated: 2025-03-04. Review status: criteria provided, single submitter. Criteria: ACMG Guidelines, 2015. Collection method: clinical testing. Allele origin: germline.
Comment: This missense variant replaces glycine with arginine at codon 167 in the FHA domain of the CHEK2 protein. Computational prediction suggests that this variant may have deleterious impact on protein structure and function. Functional studies have shown that the variant results in a loss of DNA damage response in yeast-based assays (PMID: 22419737, 30851065), a decreased ability to phosphorylate KAP1 in CHEK2 knockout mouse embryonic stem cells (PMID: 34903604), and impaired CHEK2 autophosphorylation and KAP1 phosphorylation in a mammalian cell-based assay (PMID: 37449874). This variant has been reported in individuals affected with breast cancer (PMID: 15095295, 22419737, 25186627, 25452441, 25503501, 26976419, 27153395, 27616075, 28486781, 29335925, 29522266, 30580288, 30851065, 30858171, 31300551, 33925588, 35127508; Color internal data) and prostate cancer (PMID: 12533788, 29520813). This variant has been reported in two homozygous individuals affected with multiorgan tumorigenesis (PMID: 30858171) and has shown significant association with breast cancer in two large case-control meta-analyses (17/60449 cases and 3/53458 controls, OR=5.011, 95%CI 1.469 to 17.101, p-value=0.006; 11/73048 cases and 3/88658 controls, OR=4.09, 95%CI 1.08 to 22.81, p=0.03) (PMID: 33471991, 37449874). This variant has been identified in 6/251424 chromosomes in the general population by the Genome Aggregation Database (gnomAD). Based on the available evidence, this variant is classified as Pathogenic.

Department of Pathology and Laboratory Medicine, Sinai Health System
Classification: Likely pathogenic for hereditary nonpolyposis colon cancer. Last evaluated: 2024-12-02. Review status: criteria provided, single submitter. Criteria: ACMG Guidelines, 2015. Collection method: clinical testing. Allele origin: germline.

German Consortium for Hereditary Breast and Ovarian Cancer, University Hospital Cologne
Classification: Pathogenic for Hereditary breast ovarian cancer syndrome. Last evaluated: 2024-11-12. Review status: criteria provided, single submitter. Criteria: ACMG Guidelines, 2015. Collection method: curation. Allele origin: germline.
Comment: According to the ACMG SVI adaptation criteria we chose these criteria: PS3 (strong pathogenic): Stolarova et al. 2023 (PMID: 37449874) loss of function, Boonen et al. 2022 (PMID: 35643632, PS4 (strong pathogenic): Dorling 17/60466 cases and 3/53461 controls. (OR 5.01, p<0,05) Stolarova et al. 11/73048 cases and 3/88658 controls, OR=4.09., PP3 (supporting pathogenic): REVEL: 0.955 BayesDEL:0.570002

KCCC/NGS Laboratory, Kuwait Cancer Control Center
Classification: Likely pathogenic for CHEK2-related cancer predisposition. Last evaluated: 2024-11-03. Review status: criteria provided, single submitter. Criteria: ACMG Guidelines, 2015. Collection method: clinical testing. Allele origin: germline. Inheritance: Autosomal dominant inheritance. Affected: yes. Observed: 1 heterozygote.
Comment: This sequence change replaces glycine, which is neutral and non-polar, with arginine, which is basic and polar, at codon 167 of the CHEK2 protein (p.Gly167Arg). This variant is present in population databases (rs72552322, gnomAD 0.006%). This missense change has been observed in individual(s) with breast cancer, ovarian cancer, and/or prostate cancer (PMID: 25525159, 27616075, 29520813, 30322717, 32805687, 22419737, 12533788, 27153395, 27751358, 26976419, 26681312, 15095295, 26845104, 25503501, 25428789, 28281021, 28301460, 28553140, 29335925, 28486781, 12049740, 29406849, 25186627, 29922827, 29522266, 30980208, 30851065, 30858171, 31159747, 31300551, 31296309, 31368036, 31398194, 32322110, 31220302, 19782031, 32658311, 32906215, 34426522, 33925588, 33558524, 34433815, 34903604, 33999380, 32900738, 25452411, 36119527, 35772246, 36061833, 36468172, 28888541, 35734982, 35418818, 36315097, 35127508, 34308104, 35220195, 32923877, 33471991, 30580288, 35892882). It has also been observed to segregate with disease in related individuals. ClinVar contains an entry for this variant (Variation ID: 142524). In silico analysis supports that this missense variant has a deleterious effect on protein structure/function. In summary, the currently available evidence indicates that the variant is pathogenic, but additional data are needed to prove that conclusively. Therefore, this variant has been classified as Likely Pathogenic. Pathogenic/Likely pathogenic variants in the CHEK2 gene are associated with breast cancer susceptibility (OMIM# 114480).

Institute for Biomarker Research, Medical Diagnostic Laboratories, L.L.C.
Classification: Likely pathogenic for Hereditary cancer-predisposing syndrome. Last evaluated: 2024-05-07. Review status: criteria provided, single submitter. Criteria: ACMG Guidelines, 2015. Collection method: clinical testing. Allele origin: germline.

Blueprint Genetics
Classification: Likely pathogenic for CHEK2-related disorders. Last evaluated: 2024-03-15. Review status: criteria provided, single submitter. Criteria: ACMG Guidelines, 2015. Collection method: clinical testing. Allele origin: germline. Affected: yes. Observed: 4 variant alleles.

Fulgent Genetics
Classification: Likely pathogenic for Familial prostate cancer; Bone osteosarcoma; CHEK2-related cancer predisposition. Last evaluated: 2024-02-14. Review status: criteria provided, single submitter. Criteria: ACMG Guidelines, 2015. Collection method: clinical testing. Allele origin: germline.